The following is an entry in ClinVar:

ClinVar aggregate classification (germline): Likely benign (0 of 4 stars; one submission).

Conditions:
BRPF1-related disorder. Also called: BRPF1-related condition.

Allele frequency attached by ClinVar (database versions not stated): gnomAD exomes below 0.00001; ExAC 0.00002; gnomAD 0.00006.
gnomAD v4.1: 15 of 1,613,872 alleles (0.00093%); highest among the groups gnomAD compares: African/African-American, 0.02%; no homozygotes.

Submission:

PreventionGenetics, part of Exact Sciences
Classification: Likely benign for BRPF1-related condition. Last evaluated: 2019-05-30. Review status: no assertion criteria provided. Collection method: clinical testing. Allele origin: germline.
Comment: This variant is classified as likely benign based on ACMG/AMP sequence variant interpretation guidelines (Richards et al. 2015 PMID: 25741868, with internal and published modifications).

NM_001003694.2(BRPF1):c.3069-5C>T

Gene: BRPF1 (bromodomain and PHD finger containing 1; plus strand). Cytogenetic location: 3p25.3.
Variant type: single nucleotide variant.
Coding change: c.3069-5C>T on transcript NM_001003694.2 (MANE Select); 5 bases into the intron before coding-DNA position 3069, C replaced by T.
Molecular consequence: intron variant.
Genome position (GRCh38, 1-based): chr3:9,745,568, C>T. VCF-style: chr3-9745568-C-T. GRCh37 (hg19) VCF-style: chr3-9787252-C-T.
Other names: c.3066-5C>T (NM_001410704.1); c.3051-5C>T (NM_004634.3); c.2766-5C>T (NM_001319049.2); c.3048-5C>T (NM_001319050.2).
Identifiers: ClinVar variation 3044281 (VCV003044281.2), dbSNP rs754674820, ClinGen allele CA2242294.